The following is an entry in ClinVar:

ClinVar aggregate classification (germline): Uncertain significance (1 of 4 stars; one submission).

Conditions:
Retinoblastoma (RB1). Also called: RETINOBLASTOMA, SOMATIC. Identifiers: Orphanet 790, MedGen C0035335, MeSH D012175, MONDO:0008380, OMIM 180200, HP:0009919. Disease mechanism: loss of function. Inheritance: Both sporadic and heritable forms are tested..

Allele frequency attached by ClinVar (database versions not stated): gnomAD exomes below 0.00001.
gnomAD v4.1: 1 of 1,613,098 alleles (0.000062%); highest among the groups gnomAD compares: Non-Finnish European, 0.000085%; no homozygotes.

Submission:

All of Us Research Program, National Institutes of Health
Classification: Uncertain significance for Retinoblastoma. Last evaluated: 2024-02-05. Review status: criteria provided, single submitter. Criteria: ACMG Guidelines, 2015. Collection method: clinical testing. Allele origin: germline. Inheritance: Autosomal dominant inheritance. Observed: 1 variant allele, 1 heterozygote.
Comment: This missense variant replaces threonine with isoleucine at codon 922 of the RB1 protein. Computational prediction suggests that this variant may not impact protein structure and function (internally defined REVEL score threshold <= 0.5, PMID: 27666373). To our knowledge, functional studies have not been reported for this variant. This variant has not been reported in individuals affected with RB1-related disorders in the literature. This variant has not been identified in the general population by the Genome Aggregation Database (gnomAD). The available evidence is insufficient to determine the role of this variant in disease conclusively. Therefore, this variant is classified as a Variant of Uncertain Significance.

This study involves interpretation of variants in research participants for the purpose of population health screening. Participant phenotype was not available at the time of variant classification. Additional details can be found in publication PMID: 35346344, PMCID: PMC8962531

NM_000321.3(RB1):c.2765C>T (p.Thr922Ile)

Gene: RB1 (RB transcriptional corepressor 1; plus strand). Cytogenetic location: 13q14.2.
Variant type: single nucleotide variant.
Coding change: c.2765C>T on transcript NM_000321.3 (MANE Select); coding-DNA position 2765, C replaced by T.
Protein change: p.Thr922Ile; replaces threonine 922 with isoleucine.
Molecular consequence: missense variant. On other transcripts: 3 prime UTR variant (1).
Genome position (GRCh38, 1-based): chr13:48,480,049, C>T. VCF-style: chr13-48480049-C-T. GRCh37 (hg19) VCF-style: chr13-49054185-C-T.
Other names: c.*12C>T (NM_001407165.1); c.215C>T, p.Thr72Ile (NM_001407168.1); short protein forms T72I, T922I.
Identifiers: ClinVar variation 3075390 (VCV003075390.1), dbSNP rs2138364544, ClinGen allele CA388158546.
Genomic context (GRCh38, chr13:48,480,049, plus strand): 5'-TTTTTCCAGCTTCTACTCGAACACGAATGCAAAAGCAGAAAATGAATGATAGCATGGATA[C>T]CTCAAACAAGGAAGAGAAATGAGGATCTCAGGACCTTGGTGGACACTGTGTACACCTCTG-3'
Protein context (NP_000312.2, residues 912-928): QKQKMNDSMD[Thr922Ile]SNKEEK